The following is an entry in ClinVar:

ClinVar aggregate classification (germline): Uncertain significance (1 of 4 stars; one submission).

Submission:

GeneDx
Classification: Uncertain significance. Last evaluated: 2024-07-03. Review status: criteria provided, single submitter. Criteria: GeneDx Variant Classification Process June 2021. Collection method: clinical testing. Allele origin: germline. Affected: yes.
Comment: Not observed at significant frequency in large population cohorts (gnomAD); In silico analysis indicates that this missense variant does not alter protein structure/function

NM_016239.4(MYO15A):c.2495G>A (p.Arg832His)

Gene: MYO15A (myosin XVA; plus strand). Cytogenetic location: 17p11.2.
Variant type: single nucleotide variant.
Coding change: c.2495G>A on transcript NM_016239.4 (MANE Select); coding-DNA position 2495, G replaced by A.
Protein change: p.Arg832His; replaces arginine 832 with histidine.
Molecular consequence: missense variant.
Genome position (GRCh38, 1-based): chr17:18,121,295, G>A. VCF-style: chr17-18121295-G-A. GRCh37 (hg19) VCF-style: chr17-18024609-G-A.
Other names: short protein forms R832H.
Identifiers: ClinVar variation 3393638 (VCV003393638.1).
Genomic context (GRCh38, chr17:18,121,295, plus strand): 5'-CCCCGGCCCGCCGGCCCCGCTCGCTGCAGGAGTCCCCAGCCCCACGCCGAGCCGCTGGGC[G>A]CCTGGGCCCACCCGGCTCGCCGCTGCCGGGCTCACCCAGGCCGCCCTCGCCGCCCCTGGG-3'
Protein context (NP_057323.3, residues 822-842): ESPAPRRAAG[Arg832His]LGPPGSPLPG